The following is an entry in ClinVar:

ClinVar aggregate classification (germline): Likely benign (1 of 4 stars; one submission).

Conditions:
Hereditary cancer-predisposing syndrome. Also called: Tumor predisposition; Neoplastic Syndromes, Hereditary; Hereditary neoplastic syndrome; Hereditary Cancer Syndrome. Identifiers: Orphanet 140162, MedGen C0027672, MeSH D009386, MONDO:0015356.

gnomAD v4.1: 2 of 1,612,490 alleles (0.00012%); highest among the groups gnomAD compares: Admixed American, 0.0017%; no homozygotes.

Submission:

Institute for Biomarker Research, Medical Diagnostic Laboratories, L.L.C.
Classification: Likely benign for Hereditary cancer-predisposing syndrome. Last evaluated: 2026-05-13. Review status: criteria provided, single submitter. Criteria: ACMG Guidelines, 2015. Collection method: clinical testing. Allele origin: germline.
Comment: The 5' prime UTR variant NM_002485.4(NBN):c.-19G>T is not currently classified as pathogenic or benign in clinical sources. The c.-19G>T variant is observed in 1/59,972 (0.0017%) alleles from individuals of gnomAD v4 AdmixedAmerican background in gnomAD v4 All. The c.-19G>T variant is novel (not in any individuals) in 1kG All. The c.-19G>T variant is a UTR variant. For these reasons, this variant has been classified as Likely Benign.

NM_002485.5(NBN):c.-19G>T

Gene: NBN (nibrin; minus strand). Cytogenetic location: 8q21.3.
Variant type: single nucleotide variant.
Coding change: c.-19G>T on transcript NM_002485.5 (MANE Select); 19 bases upstream of the start codon, G replaced by T.
Molecular consequence: 5 prime UTR variant.
Genome position (GRCh38, 1-based): chr8:89,984,580, C>A on the plus strand (G>T on the coding strand, the complement: NBN is on the minus strand). VCF-style: chr8-89984580-C-A. GRCh37 (hg19) VCF-style: chr8-90996808-C-A.
Other names: c.-315G>T (NM_001024688.3).
Identifiers: ClinVar variation 4879470 (VCV004879470.1), dbSNP rs779343757.
Genomic context (GRCh38, chr8:89,984,580, plus strand): 5'-CTTACCTCCTGCCGGGCCCGCGGCGGGCAGCAGTTTCCACATCGGTCCGGCTCCTCAGGG[C>A]TGGGGCCGACGTGCAACCGCGTAACCGGGGCTGCTAGACGAGCGCGGATACGGCGCCTGC-3'